The following is an entry in ClinVar:

ClinVar aggregate classification (germline): Pathogenic/Likely pathogenic. Review status: criteria provided, multiple submitters, no conflicts (2 of 4 stars). 8 submissions from 8 submitters: Pathogenic (2); Likely pathogenic (5). 1 of the submissions does not count toward it. Last evaluated 2025-10-01.

Conditions:
PCCA-related disorder. Also called: PCCA-related condition.
Propionic acidemia (PROP). Also called: HYPERGLYCINEMIA WITH KETOACIDOSIS AND LEUKOPENIA; GLYCINEMIA, KETOTIC; KETOTIC HYPERGLYCINEMIA. Identifiers: Orphanet 35, MedGen C0268579, MONDO:0011628, OMIM 606054, HP:0003571.

Allele frequency attached by ClinVar (database versions not stated): gnomAD exomes below 0.00001 and 0.00002; gnomAD 0.00001; TOPMed 0.00001.
gnomAD v4.1: 33 of 1,613,710 alleles (0.002%); highest among the groups gnomAD compares: Non-Finnish European, 0.0026%; no homozygotes.

Submissions (8):

Labcorp Genetics (formerly Invitae), Labcorp
Classification: Likely pathogenic for Propionic acidemia. Last evaluated: 2025-10-01. Review status: criteria provided, single submitter. Criteria: Invitae Variant Classification Sherloc (09022015). Collection method: clinical testing. Allele origin: germline.
Comment: This sequence change replaces lysine, which is basic and polar, with arginine, which is basic and polar, at codon 298 of the PCCA protein (p.Lys298Arg). This variant is present in population databases (no rsID available, gnomAD 0.0009%). This missense change has been observed in individuals with propionic acidemia (PMID: 23053474, 31063319, 31249402). ClinVar contains an entry for this variant (Variation ID: 449078). Invitae Evidence Modeling of protein sequence and biophysical properties (such as structural, functional, and spatial information, amino acid conservation, physicochemical variation, residue mobility, and thermodynamic stability) has been performed for this missense variant. However, the output from this modeling did not meet the statistical confidence thresholds required to predict the impact of this variant on PCCA protein function. Experimental studies have shown that this missense change affects PCCA function (PMID: 23053474). In summary, the currently available evidence indicates that the variant is pathogenic, but additional data are needed to prove that conclusively. Therefore, this variant has been classified as Likely Pathogenic.

Natera, Inc.
Classification: Likely pathogenic for Propionic acidemia. Last evaluated: 2024-07-22. Review status: criteria provided, single submitter. Criteria: Natera Variant Classification Schema (03/2026). Collection method: clinical testing. Allele origin: germline.
Comment: The c.893A>G variant in PCCA is a missense variant predicted to cause substitution of lysine to arginine at amino acid 298. This variant is rare in the general population with a frequency below the threshold expected for the associated phenotype(s). This variant has been observed in one or more individuals affected with the associated recessive disease, as either homozygous or compound heterozygous with a second variant (PMID: 23053474, 31063319, 31249402). Functional studies show that this variant may disrupt protein function (PMID: 23053474). Computational prediction algorithms indicate this variant is likely to affect gene or protein function. Given the available evidence, this variant is classified as Likely Pathogenic.

Fulgent Genetics
Classification: Likely pathogenic for Propionic acidemia. Last evaluated: 2024-02-07. Review status: criteria provided, single submitter. Criteria: ACMG Guidelines, 2015. Collection method: clinical testing. Allele origin: germline.

Baylor Genetics
Classification: Pathogenic for Propionic acidemia. Last evaluated: 2024-01-06. Review status: criteria provided, single submitter. Criteria: ACMG Guidelines, 2015. Collection method: clinical testing. Allele origin: unknown.

Blueprint Genetics
Classification: Likely pathogenic for PCCA-related disorders. Last evaluated: 2023-11-28. Review status: criteria provided, single submitter. Criteria: ACMG Guidelines, 2015. Collection method: clinical testing. Allele origin: germline. Affected: yes. Observed: 3 variant alleles.

Women's Health and Genetics/Laboratory Corporation of America, LabCorp
Classification: Pathogenic for Propionic acidemia. Last evaluated: 2023-02-16. Review status: criteria provided, single submitter. Criteria: LabCorp Variant Classification Summary - May 2015. Collection method: clinical testing. Allele origin: germline.
Comment: Variant summary: PCCA c.893A>G (p.Lys298Arg) results in a conservative amino acid change located in the Carbamoyl-phosphate synthetase large subunit-like, ATP-binding domain (IPR005479), the ATP-grasp fold domain (IPR011761), and the Biotin carboxylation domain (IPR011764) of the encoded protein sequence. Four of five in-silico tools predict a damaging effect of the variant on protein function. The variant allele was found at a frequency of 4e-06 in 251204 control chromosomes. The available data on variant occurrences in the general population are insufficient to allow any conclusion about variant significance. c.893A>G has been reported in the literature in at least one individual affected with Propionic Acidemia (e.g., Gallego-Villar_2013, Cammarata-Scalisi_2019, Shchelochkov_2019). At least one publication reports experimental evidence evaluating an impact on protein function, finding that the variant leads to a severe reduction in PCC activity (1.6% of wild-type activity) in vitro (e.g., Gallego-Villar_2013). Three ClinVar submitters (evaluation after 2014) have cited the variant, with two labs classifying the variant as likely pathogenic and one lab classifying it as uncertain significance. Based on the evidence outlined above, the variant was classified as pathogenic.

GeneDx
Classification: Likely pathogenic. Last evaluated: 2017-09-06. Review status: criteria provided, single submitter. Criteria: GeneDx Variant Classification (06012015). Collection method: clinical testing. Allele origin: germline. Affected: yes.
Comment: The K298R variant has previously been reported in an individual with propionic acidemia who was also heterozygous for a large deletion of PCCA, although the phase of these variants was not reported (Gallego-Villar et al., 2013). Functional analysis of K298R found that it is associated with 1.6% residual enzyme activity compared to wild-type (Gallego-Villar et al., 2013). The K298R variant is not observed in large population cohorts (Lek et al., 2016; 1000 Genomes Consortium et al., 2015; Exome Variant Server). This substitution occurs at a position that is conserved across species. In silico analysis predicts this variant is probably damaging to the protein structure/function. In summary, we interpret K298R to be a likely pathogenic variant.

Counsyl
Classification: Uncertain significance for Propionic acidemia. Last evaluated: 2017-10-03. Review status: no assertion criteria provided. Collection method: clinical testing. Allele origin: unknown. Not counted in ClinVar's aggregate classification.

Literature cited by the submitters: PubMed 23053474 (cited by 4 submitters); PubMed 31063319 (cited by 3 submitters); PubMed 31249402 (cited by 3 submitters); PubMed 33923806 (cited by Women's Health and Genetics/Laboratory Corporation of America, LabCorp).

NM_000282.4(PCCA):c.893A>G (p.Lys298Arg)

Gene: PCCA (propionyl-CoA carboxylase subunit alpha; plus strand). Cytogenetic location: 13q32.3.
Variant type: single nucleotide variant.
Coding change: c.893A>G on transcript NM_000282.4 (MANE Select); coding-DNA position 893, A replaced by G.
Protein change: p.Lys298Arg; replaces lysine 298 with arginine.
Molecular consequence: missense variant. On other transcripts: 5 prime UTR variant (3), non-coding transcript variant (5).
Genome position (GRCh38, 1-based): chr13:100,268,762, A>G. VCF-style: chr13-100268762-A-G. GRCh37 (hg19) VCF-style: chr13-100921016-A-G.
Other names: c.815A>G, p.Lys272Arg (NM_001127692.3, NM_001352607.2, NM_001352608.2); c.893A>G, p.Lys298Arg (NM_001178004.2, NM_001352605.2, NM_001352606.2 and 1 more transcripts); c.-53A>G (NM_001352610.2, NM_001352611.2, NM_001352612.2); short protein forms K298R, K272R.
Identifiers: ClinVar variation 449078 (VCV000449078.14), dbSNP rs1444049793, ClinGen allele CA388694612.